The following is an entry in ClinVar:

NM_013254.4(TBK1):c.2043C>G (p.Asn681Lys)

Gene: TBK1 (TANK binding kinase 1; plus strand). Cytogenetic location: 12q14.2.
Variant type: single nucleotide variant.
Coding change: c.2043C>G on transcript NM_013254.4 (MANE Select); coding-DNA position 2043, C replaced by G.
Protein change: p.Asn681Lys; replaces asparagine 681 with lysine.
Molecular consequence: missense variant.
Genome position (GRCh38, 1-based): chr12:64,497,731, C>G. VCF-style: chr12-64497731-C-G. GRCh37 (hg19) VCF-style: chr12-64891511-C-G.
Other names: short protein forms N681K.
Identifiers: ClinVar variation 5003183 (VCV005003183.1).

ClinVar aggregate classification (germline): Uncertain significance (1 of 4 stars; one submission).

Conditions:
Encephalopathy, acute, infection-induced (herpes-specific), susceptibility to, 8. Also called: HERPES SIMPLEX ENCEPHALITIS, SUSCEPTIBILITY TO, 6. Identifiers: MedGen C4693542, MONDO:0054754, OMIM 617900.

Submission:

OLLIN Analises Genomicas, OLLIN
Classification: Uncertain significance for Encephalopathy, acute, infection-induced (herpes-specific), susceptibility to, 8. Last evaluated: 2026-08-06. Review status: criteria provided, single submitter. Criteria: ACMG Guidelines 2015 PMID 25741868. Collection method: clinical testing. Allele origin: germline. Inheritance: Autosomal recessive inheritance.
Comment: This missense variant, located in exon 19 (of 21), is absent from gnomAD and ClinVar and has not been identified in the literature. In silico analysis predicts that this variant has a tolerated effect. According to the currently available evidence, this variant has been classified as uncertain significance (PM2_P, BP4_M).